The following is an entry in ClinVar:

ClinVar aggregate classification (germline): Uncertain significance (1 of 4 stars; one submission).

Conditions:
Early-infantile DEE. Also called: Ohtahara syndrome; Early infantile epileptic encephalopathy with suppression bursts; Early infantile epileptic encephalopathy. Identifiers: Orphanet 1934, MedGen C0393706, MONDO:0800491.

Submission:

Labcorp Genetics (formerly Invitae), Labcorp
Classification: Uncertain significance for Early-infantile DEE. Last evaluated: 2021-11-16. Review status: criteria provided, single submitter. Criteria: Invitae Variant Classification Sherloc (09022015). Collection method: clinical testing. Allele origin: germline.
Comment: This variant has not been reported in the literature in individuals affected with SPTAN1-related conditions. In summary, the available evidence is currently insufficient to determine the role of this variant in disease. Therefore, it has been classified as a Variant of Uncertain Significance. Algorithms developed to predict the effect of missense changes on protein structure and function are either unavailable or do not agree on the potential impact of this missense change (SIFT: "Deleterious"; PolyPhen-2: "Benign"; Align-GVGD: "Class C25"). This variant is not present in population databases (gnomAD no frequency). This sequence change replaces lysine, which is basic and polar, with arginine, which is basic and polar, at codon 777 of the SPTAN1 protein (p.Lys777Arg).

NM_001130438.3(SPTAN1):c.2330A>G (p.Lys777Arg)

Gene: SPTAN1 (spectrin alpha, non-erythrocytic 1; plus strand). Cytogenetic location: 9q34.11.
Variant type: single nucleotide variant.
Coding change: c.2330A>G on transcript NM_001130438.3 (MANE Select); coding-DNA position 2330, A replaced by G.
Protein change: p.Lys777Arg; replaces lysine 777 with arginine.
Molecular consequence: missense variant.
Genome position (GRCh38, 1-based): chr9:128,584,418, A>G. VCF-style: chr9-128584418-A-G. GRCh37 (hg19) VCF-style: chr9-131346697-A-G.
Other names: c.2330A>G, p.Lys777Arg (NM_001195532.2, NM_001363759.2, NM_001363765.2 and 5 more transcripts); c.2366A>G, p.Lys789Arg (NM_001375312.2, NM_001375318.1); short protein forms K789R, K777R.
Identifiers: ClinVar variation 1478542 (VCV001478542.7), dbSNP rs2131163322, ClinGen allele CA375057429.
Genomic context (GRCh38, chr9:128,584,418, plus strand): 5'-AGAAACAGGAAGCCCTCGTGGCTCGCTATGAGGCACTCAAGGAGCCCATGGTTGCCCGGA[A>G]GCAGAAGCTGGCCGATTCTCTGCGGTTGCAGCAGCTCTTCCGGGATGTTGAGGATGAGGA-3'
Protein context (NP_001123910.1, residues 767-787): EALKEPMVAR[Lys777Arg]QKLADSLRLQ